The following is an entry in ClinVar:

NM_000228.3(LAMB3):c.177T>G (p.Tyr59Ter)

Gene: LAMB3 (laminin subunit beta 3; minus strand). Cytogenetic location: 1q32.2.
Variant type: single nucleotide variant.
Coding change: c.177T>G on transcript NM_000228.3 (MANE Select); coding-DNA position 177, T replaced by G.
Protein change: p.Tyr59Ter; replaces tyrosine 59 with a stop codon.
Molecular consequence: nonsense.
Genome position (GRCh38, 1-based): chr1:209,649,970, A>C on the plus strand (T>G on the coding strand, the complement: LAMB3 is on the minus strand). VCF-style: chr1-209649970-A-C. GRCh37 (hg19) VCF-style: chr1-209823315-A-C.
Other names: c.177T>G, p.Tyr59Ter (NM_001017402.2, NM_001127641.1); short protein forms Y59*.
Identifiers: ClinVar variation 5012852 (VCV005012852.1).
Genomic context (GRCh38, chr1:209,649,970, plus strand): 5'-GCTCACACACCCCTCCCATCCCGCCTTCCTCCAGTCCTGGGAAGTAGGGCCTACCTCGCC[A>C]TACTGGGTGCAGTAGGTCTCAGGCTTGGTCAGTCCACAGGTAGATGAAGCTCGGAGAAAC-3'

ClinVar aggregate classification (germline): Pathogenic (1 of 4 stars; one submission).

Conditions:
Junctional epidermolysis bullosa. Identifiers: Orphanet 305, MedGen C0079301, MONDO:0017612.

Submission:

Myriad Genetics, Inc.
Classification: Pathogenic for Junctional epidermolysis bullosa. Last evaluated: 2024-03-22. Review status: criteria provided, single submitter. Criteria: Myriad Autosomal Dominant, Autosomal Recessive and X-Linked Classification Criteria (2023). Collection method: clinical testing. Allele origin: unknown.
Comment: NM_000228.2(LAMB3):c.177T>G(Y59*) is expected to be pathogenic in the context of junctional epidermolysis bullosa, LAMB3-related. This variant is predicted to lead to an abnormal or absent protein product due to the creation of a premature termination codon in LAMB3, a gene where loss-of-function variants are known to be pathogenic. Please note: this variant was assessed in the context of healthy population screening.